The following is an entry in ClinVar:

NM_001458.5(FLNC):c.7781-8C>G

Genes: FLNC (filamin C; plus strand), FLNC-AS1 (FLNC antisense RNA 1; minus strand). Cytogenetic location: 7q32.1.
Variant type: single nucleotide variant.
Coding change: c.7781-8C>G on transcript NM_001458.5 (MANE Select); 8 bases into the intron before coding-DNA position 7781, C replaced by G.
Molecular consequence: intron variant.
Genome position (GRCh38, 1-based): chr7:128,858,000, C>G. VCF-style: chr7-128858000-C-G. GRCh37 (hg19) VCF-style: chr7-128498054-C-G.
Other names: c.7682-8C>G (NM_001127487.2).
Identifiers: ClinVar variation 1519731 (VCV001519731.6), dbSNP rs1363938739, ClinGen allele CA578151158.

ClinVar aggregate classification (germline): Uncertain significance (1 of 4 stars; one submission).

Conditions:
Myofibrillar myopathy 5. Also called: Filaminopathy (type); FILAMINOPATHY, AUTOSOMAL DOMINANT. Identifiers: Orphanet 171445, MedGen C1836050, MONDO:0012289, OMIM 609524.
Hypertrophic cardiomyopathy 26. Also called: Cardiomyopathy, familial hypertrophic, 26. Identifiers: Orphanet 75249, MedGen C4310749, MONDO:0014883, OMIM 617047.
Distal myopathy with posterior leg and anterior hand involvement. Also called: WILLIAMS DISTAL MYOPATHY. Identifiers: Orphanet 63273, MedGen C3279722, MONDO:0013550, OMIM 614065.

Submission:

Labcorp Genetics (formerly Invitae), Labcorp
Classification: Uncertain significance for Distal myopathy with posterior leg and anterior hand involvement; Myofibrillar myopathy 5; Hypertrophic cardiomyopathy 26. Last evaluated: 2024-12-23. Review status: criteria provided, single submitter. Criteria: Invitae Variant Classification Sherloc (09022015). Collection method: clinical testing. Allele origin: germline.
Comment: This sequence change falls in intron 46 of the FLNC gene. It does not directly change the encoded amino acid sequence of the FLNC protein. This variant is not present in population databases (gnomAD no frequency). This variant has not been reported in the literature in individuals affected with FLNC-related conditions. ClinVar contains an entry for this variant (Variation ID: 1519731). Algorithms developed to predict the effect of sequence changes on RNA splicing suggest that this variant may disrupt the consensus splice site. In summary, the available evidence is currently insufficient to determine the role of this variant in disease. Therefore, it has been classified as a Variant of Uncertain Significance.